The following is an entry in ClinVar:

NM_000143.4(FH):c.439A>C (p.Thr147Pro)

Gene: FH (fumarate hydratase; minus strand). Cytogenetic location: 1q43.
Variant type: single nucleotide variant.
Coding change: c.439A>C on transcript NM_000143.4 (MANE Select); coding-DNA position 439, A replaced by C.
Protein change: p.Thr147Pro; replaces threonine 147 with proline.
Molecular consequence: missense variant.
Genome position (GRCh38, 1-based): chr1:241,512,083, T>G on the plus strand (A>C on the coding strand, the complement: FH is on the minus strand). VCF-style: chr1-241512083-T-G. GRCh37 (hg19) VCF-style: chr1-241675383-T-G.
Other names: short protein forms T147P.
Identifiers: ClinVar variation 4843543 (VCV004843543.1).

ClinVar aggregate classification (germline): Likely pathogenic (1 of 4 stars; one submission).

Conditions:
Hereditary cancer-predisposing syndrome. Also called: Neoplastic Syndromes, Hereditary; Tumor predisposition; Hereditary Cancer Syndrome; Hereditary neoplastic syndrome. Identifiers: Orphanet 140162, MedGen C0027672, MeSH D009386, MONDO:0015356.

Submission:

Ambry Genetics
Classification: Likely pathogenic for Hereditary cancer-predisposing syndrome. Last evaluated: 2026-02-23. Review status: criteria provided, single submitter. Criteria: Ambry Variant Classification Scheme 2023. Collection method: clinical testing. Allele origin: germline.
Comment: The p.T147P variant (also known as c.439A>C), located in coding exon 4 of the FH gene, results from an A to C substitution at nucleotide position 439. The threonine at codon 147 is replaced by proline, an amino acid with highly similar properties. This variant was reported in individual(s) with features consistent with FH-related tumor predisposition (Ambry internal data). This amino acid position is highly conserved in available vertebrate species. In addition, this alteration is predicted to be deleterious by in silico analysis. This variant is considered to be rare based on population cohorts in the Genome Aggregation Database (gnomAD). Based on the majority of available evidence to date, this variant is likely to be pathogenic.